The following is an entry in ClinVar:

NM_006096.4(NDRG1):c.322G>A (p.Ala108Thr)

Gene: NDRG1 (N-myc downstream regulated 1; minus strand). Cytogenetic location: 8q24.22.
Variant type: single nucleotide variant.
Coding change: c.322G>A on transcript NM_006096.4 (MANE Select); coding-DNA position 322, G replaced by A.
Protein change: p.Ala108Thr; replaces alanine 108 with threonine.
Molecular consequence: missense variant.
Genome position (GRCh38, 1-based): chr8:133,262,051, C>T on the plus strand (G>A on the coding strand, the complement: NDRG1 is on the minus strand). VCF-style: chr8-133262051-C-T. GRCh37 (hg19) VCF-style: chr8-134274294-C-T.
Other names: c.322G>A, p.Ala108Thr (NM_001135242.2, NM_001374844.1, NM_001374845.1 and 1 more transcripts); c.124G>A, p.Ala42Thr (NM_001258432.2, NM_001374847.1); c.79G>A, p.Ala27Thr (NM_001258433.2); short protein forms A27T, A108T, A42T.
Identifiers: ClinVar variation 909421 (VCV000909421.5), dbSNP rs144310406, ClinGen allele CA4886824.

ClinVar aggregate classification (germline): Uncertain significance. Review status: criteria provided, multiple submitters, no conflicts (2 of 4 stars). 2 submissions from 2 submitters: Uncertain significance (2). Last evaluated 2021-08-27.

Conditions:
Charcot-Marie-Tooth disease type 4. Also called: Charcot-Marie-Tooth disease, type IV; Charcot-Marie-Tooth, Type 4. Identifiers: Orphanet 64749, MedGen C4082197, MONDO:0018995.
Charcot-Marie-Tooth disease type 4D. Also called: Charcot-Marie-Tooth Neuropathy Type 4D; CHARCOT-MARIE-TOOTH DISEASE, DEMYELINATING, TYPE 4D; CHARCOT-MARIE-TOOTH DISEASE, DEMYELINATING, AUTOSOMAL RECESSIVE, TYPE 4D; NEUROPATHY, HEREDITARY MOTOR AND SENSORY, LOM TYPE. Identifiers: Orphanet 99950, MedGen C1832334, MONDO:0011085, OMIM 601455.

Allele frequency attached by ClinVar (database versions not stated): gnomAD 0.00001; ExAC 0.00002; gnomAD exomes 0.00002; TOPMed 0.00002; ESP Exome Variant Server 0.00008.
gnomAD v4.1: 9 of 1,611,036 alleles (0.00056%); highest among the groups gnomAD compares: South Asian, 0.0033%; no homozygotes.

Submissions (2):

Labcorp Genetics (formerly Invitae), Labcorp
Classification: Uncertain significance for Charcot-Marie-Tooth disease type 4. Last evaluated: 2021-08-27. Review status: criteria provided, single submitter. Criteria: Invitae Variant Classification Sherloc (09022015). Collection method: clinical testing. Allele origin: germline.
Comment: This sequence change replaces alanine with threonine at codon 108 of the NDRG1 protein (p.Ala108Thr). The alanine residue is weakly conserved and there is a small physicochemical difference between alanine and threonine. This variant is present in population databases (rs144310406, ExAC 0.01%). This variant has not been reported in the literature in individuals affected with NDRG1-related conditions. Algorithms developed to predict the effect of missense changes on protein structure and function output the following: SIFT: "Tolerated"; PolyPhen-2: "Benign"; Align-GVGD: "Class C0". The threonine amino acid residue is found in multiple mammalian species, which suggests that this missense change does not adversely affect protein function. In summary, the available evidence is currently insufficient to determine the role of this variant in disease. Therefore, it has been classified as a Variant of Uncertain Significance.

Illumina Laboratory Services, Illumina
Classification: Uncertain significance for Charcot-Marie-Tooth disease type 4D. Last evaluated: 2018-01-13. Review status: criteria provided, single submitter. Criteria: ICSL Variant Classification Criteria 13 December 2019. Collection method: clinical testing. Allele origin: germline.